The following is an entry in ClinVar:

ClinVar aggregate classification (germline): Uncertain significance (1 of 4 stars; one submission).

gnomAD v4.1: 4 of 1,614,150 alleles (0.00025%); highest among the groups gnomAD compares: Admixed American, 0.0067%; no homozygotes.

Submission:

Labcorp Genetics (formerly Invitae), Labcorp
Classification: Uncertain significance. Last evaluated: 2024-08-17. Review status: criteria provided, single submitter. Criteria: Invitae Variant Classification Sherloc (09022015). Collection method: clinical testing. Allele origin: germline.
Comment: This sequence change replaces isoleucine, which is neutral and non-polar, with asparagine, which is neutral and polar, at codon 305 of the ACOX2 protein (p.Ile305Asn). This variant is not present in population databases (gnomAD no frequency). This variant has not been reported in the literature in individuals affected with ACOX2-related conditions. Invitae Evidence Modeling of protein sequence and biophysical properties (such as structural, functional, and spatial information, amino acid conservation, physicochemical variation, residue mobility, and thermodynamic stability) indicates that this missense variant is not expected to disrupt ACOX2 protein function with a negative predictive value of 80%. In summary, the available evidence is currently insufficient to determine the role of this variant in disease. Therefore, it has been classified as a Variant of Uncertain Significance.

NM_003500.4(ACOX2):c.914T>A (p.Ile305Asn)

Gene: ACOX2 (acyl-CoA oxidase 2; minus strand). Cytogenetic location: 3p14.3.
Variant type: single nucleotide variant.
Coding change: c.914T>A on transcript NM_003500.4 (MANE Select); coding-DNA position 914, T replaced by A.
Protein change: p.Ile305Asn; replaces isoleucine 305 with asparagine.
Molecular consequence: missense variant.
Genome position (GRCh38, 1-based): chr3:58,530,544, A>T on the plus strand (T>A on the coding strand, the complement: ACOX2 is on the minus strand). VCF-style: chr3-58530544-A-T. GRCh37 (hg19) VCF-style: chr3-58516271-A-T.
Other names: short protein forms I305N.
Identifiers: ClinVar variation 3713966 (VCV003713966.2).